The following is an entry in ClinVar:

ClinVar aggregate classification (germline): Uncertain significance. Review status: criteria provided, multiple submitters, no conflicts (2 of 4 stars). 3 submissions from 3 submitters: Uncertain significance (2). 1 of the submissions does not count toward it. Last evaluated 2025-11-03.

Conditions:
Retinal dystrophy. Also called: Inherited retinal dystrophy. Identifiers: Orphanet 71862, MedGen C0854723, MeSH D058499, MONDO:0019118, HP:0000556.

Allele frequency attached by ClinVar (database versions not stated): gnomAD 0.00004 and 0.00001; gnomAD exomes 0.00011 and 0.00005; ExAC 0.00030; TOPMed below 0.00001; 1000 Genomes Project 30x 0.00031; 1000 Genomes Project 0.00040.
gnomAD v4.1: 72 of 1,587,806 alleles (0.0045%); highest among the groups gnomAD compares: South Asian, 0.067%; no homozygotes.

Submissions (3):

Ambry Genetics
Classification: Uncertain significance. Last evaluated: 2025-11-03. Review status: criteria provided, single submitter. Criteria: Ambry Variant Classification Scheme 2023. Collection method: clinical testing. Allele origin: germline.

Labcorp Genetics (formerly Invitae), Labcorp
Classification: Uncertain significance. Last evaluated: 2022-07-12. Review status: criteria provided, single submitter. Criteria: Invitae Variant Classification Sherloc (09022015). Collection method: clinical testing. Allele origin: germline.
Comment: In summary, the available evidence is currently insufficient to determine the role of this variant in disease. Therefore, it has been classified as a Variant of Uncertain Significance. Algorithms developed to predict the effect of missense changes on protein structure and function are either unavailable or do not agree on the potential impact of this missense change (SIFT: "Deleterious"; PolyPhen-2: "Benign"; Align-GVGD: "Class C0"). ClinVar contains an entry for this variant (Variation ID: 971855). This variant has not been reported in the literature in individuals affected with DHX38-related conditions. This variant is present in population databases (rs372331694, gnomAD 0.08%). This sequence change replaces arginine, which is basic and polar, with histidine, which is basic and polar, at codon 1162 of the DHX38 protein (p.Arg1162His).

Institute of Human Genetics, Univ. Regensburg, Univ. Regensburg
Classification: Uncertain significance for Retinal dystrophy. Last evaluated: 2023-01-01. Review status: no assertion criteria provided. Criteria: ACMG Guidelines, 2015. Collection method: clinical testing. Allele origin: germline. Affected: yes. Not counted in ClinVar's aggregate classification.

NM_014003.4(DHX38):c.3485G>A (p.Arg1162His)

Gene: DHX38 (DEAH-box helicase 38; plus strand). Cytogenetic location: 16q22.2.
Variant type: single nucleotide variant.
Coding change: c.3485G>A on transcript NM_014003.4 (MANE Select); coding-DNA position 3485, G replaced by A.
Protein change: p.Arg1162His; replaces arginine 1162 with histidine.
Molecular consequence: missense variant.
Genome position (GRCh38, 1-based): chr16:72,110,963, G>A. VCF-style: chr16-72110963-G-A. GRCh37 (hg19) VCF-style: chr16-72144862-G-A.
Other names: short protein forms R1162H.
Identifiers: ClinVar variation 971855 (VCV000971855.11), dbSNP rs372331694, ClinGen allele CA8161015.
Genomic context (GRCh38, chr16:72,110,963, plus strand): 5'-TCCTTCCTTAGTGGTCCCCAGTAGGCTCAGCCAGGTCTGTCCCTCTTCAATAGGAGAACC[G>A]TCGTCGGGCCAAAGAGGAAGCCTCTGCCATGGAGGAGGAGATGGCGCTGGCCGAGGAGCA-3'
Protein context (NP_054722.2, residues 1152-1172): KQAGKSRQEN[Arg1162His]RRAKEEASAM